The following is an entry in ClinVar:

NM_000112.4(SLC26A2):c.1649del (p.Lys550fs)

Gene: SLC26A2 (solute carrier family 26 member 2; plus strand). Cytogenetic location: 5q32.
Variant type: Deletion.
Coding change: c.1649del on transcript NM_000112.4 (MANE Select); coding-DNA position 1649, one base deleted (A; older notation c.1649delA).
Protein change: p.Lys550fs; shifts the reading frame from lysine 550.
Molecular consequence: frameshift variant.
Genome position (GRCh38, 1-based): chr5:149,981,242, A deleted; the last of 3 consecutive A bases (chr5:149,981,240-149,981,242); deleting any one gives the same sequence. VCF-style (leftmost placement, unchanged base first): chr5-149981239-CA-C. GRCh37 (hg19) VCF-style: chr5-149360802-CA-C.
Other names: c.1649delA (NM_000112.3); short protein forms K550fs.
Identifiers: ClinVar variation 371717 (VCV000371717.7), dbSNP rs1057517482, ClinGen allele CA16040998.
Genomic context (GRCh38, chr5:149,981,239, plus strand): 5'-TAGGCCTACTTGTTGGGGTTTGTTTTTCTATATTTTGTGTCATCCTCCGCACTCAGAAGC[CA>C]AAGAGTTCACTGCTTGGCTTGGTGGAAGAGTCTGAGGTCTTTGAATCTGTGTCTGCTTAC-3'

ClinVar aggregate classification (germline): Pathogenic/Likely pathogenic. Review status: criteria provided, multiple submitters, no conflicts (2 of 4 stars). 6 submissions from 3 submitters: Pathogenic (1); Likely pathogenic (1). 4 of the submissions do not count toward it. Last evaluated 2023-11-13.

Conditions:
Multiple epiphyseal dysplasia type 4 (EDM4). Also called: MULTIPLE EPIPHYSEAL DYSPLASIA WITH BILAYERED PATELLAE; MULTIPLE EPIPHYSEAL DYSPLASIA WITH CLUBFOOT; MULTIPLE EPIPHYSEAL DYSPLASIA, AUTOSOMAL RECESSIVE; Multiple Epiphyseal Dysplasia, Recessive; SLC26A2-Related Multiple Epiphyseal Dysplasia. Identifiers: Orphanet 93307, MedGen C1847593, MONDO:0009189, OMIM 226900.
Diastrophic dysplasia (DTD). Also called: Diastrophic dwarfism. Identifiers: Orphanet 628, MedGen C0220726, MONDO:0009107, OMIM 222600.
Achondrogenesis, type IB (ACG1B). Also called: Achondrogenesis Type 1B. Identifiers: Orphanet 932, Orphanet 93298, MedGen C0265274, MONDO:0010966, OMIM 600972.
Atelosteogenesis type II (AO2). Also called: NEONATAL OSSEOUS DYSPLASIA I; Neonatal osseous dysplasia 1; SLC26A2-Related Atelosteogenesis. Identifiers: Orphanet 56304, MedGen C1850554, MONDO:0009727, OMIM 256050.

Submissions (6):

Labcorp Genetics (formerly Invitae), Labcorp
Classification: Pathogenic for Atelosteogenesis type II; Multiple epiphyseal dysplasia type 4; Achondrogenesis, type IB; Diastrophic dysplasia. Last evaluated: 2023-11-13. Review status: criteria provided, single submitter. Criteria: Invitae Variant Classification Sherloc (09022015). Collection method: clinical testing. Allele origin: germline.
Comment: This sequence change creates a premature translational stop signal (p.Lys550Argfs*35) in the SLC26A2 gene. While this is not anticipated to result in nonsense mediated decay, it is expected to disrupt the last 190 amino acid(s) of the SLC26A2 protein. This variant is not present in population databases (gnomAD no frequency). This variant has not been reported in the literature in individuals affected with SLC26A2-related conditions. ClinVar contains an entry for this variant (Variation ID: 371717). This variant disrupts a region of the SLC26A2 protein in which other variant(s) (p.Ala715Val) have been determined to be pathogenic (PMID: 11448940, 15294877, 21077204). This suggests that this is a clinically significant region of the protein, and that variants that disrupt it are likely to be disease-causing. For these reasons, this variant has been classified as Pathogenic.

Baylor Genetics
Classification: Likely pathogenic for Achondrogenesis, type IB. Last evaluated: 2023-10-10. Review status: criteria provided, single submitter. Criteria: ACMG Guidelines, 2015. Collection method: clinical testing. Allele origin: unknown.

Counsyl
Classification: Likely pathogenic for Diastrophic dysplasia. Last evaluated: 2016-03-15. Review status: no assertion criteria provided. Collection method: clinical testing. Allele origin: unknown. Not counted in ClinVar's aggregate classification.

Counsyl
Classification: Likely pathogenic for Multiple epiphyseal dysplasia type 4. Last evaluated: 2016-03-15. Review status: no assertion criteria provided. Collection method: clinical testing. Allele origin: unknown. Not counted in ClinVar's aggregate classification.

Counsyl
Classification: Likely pathogenic for Atelosteogenesis type II. Last evaluated: 2016-03-15. Review status: no assertion criteria provided. Collection method: clinical testing. Allele origin: unknown. Not counted in ClinVar's aggregate classification.

Counsyl
Classification: Likely pathogenic for Achondrogenesis, type IB. Last evaluated: 2016-03-15. Review status: no assertion criteria provided. Collection method: clinical testing. Allele origin: unknown. Not counted in ClinVar's aggregate classification.

Literature cited by the submitters: PubMed 11448940 (cited by Labcorp Genetics (formerly Invitae), Labcorp); PubMed 15294877 (cited by Labcorp Genetics (formerly Invitae), Labcorp); PubMed 21077204 (cited by Labcorp Genetics (formerly Invitae), Labcorp).